The following is an entry in ClinVar:

ClinVar aggregate classification (germline): Uncertain significance. Review status: criteria provided, multiple submitters, no conflicts (2 of 4 stars). 3 submissions from 3 submitters: Uncertain significance (3). Last evaluated 2025-02-28.

Conditions:
Cardiovascular phenotype. Identifiers: MedGen CN230736.
Hypertrophic cardiomyopathy 14. Identifiers: MedGen C2750467, MONDO:0013197, OMIM 613251.
Primary dilated cardiomyopathy (DCM). Also called: Dilated Cardiomyopathy. Identifiers: Orphanet 217604, MedGen C0007193, MeSH D002311, MONDO:0005021, HP:0001644. Inheritance: Various modes of inheritance.

Allele frequency attached by ClinVar (database versions not stated): gnomAD exomes 0.00001; gnomAD 0.00002; TOPMed 0.00002; ExAC 0.00005; 1000 Genomes Project 30x 0.00016; 1000 Genomes Project 0.00020.
gnomAD v4.1: 21 of 1,613,244 alleles (0.0013%); highest among the groups gnomAD compares: East Asian, 0.031%; no homozygotes.

Submissions (3):

Ambry Genetics
Classification: Uncertain significance for Cardiovascular phenotype. Last evaluated: 2025-02-28. Review status: criteria provided, single submitter. Criteria: Ambry Variant Classification Scheme 2023. Collection method: clinical testing. Allele origin: germline.
Comment: The p.A1411T variant (also known as c.4231G>A), located in coding exon 28 of the MYH6 gene, results from a G to A substitution at nucleotide position 4231. The alanine at codon 1411 is replaced by threonine, an amino acid with similar properties. This variant has been reported in a hypertrophic cardiomyopathy (HCM) cohort, a pediatric cardiomyopathy cohort and a congenital heart disease cohort (Chung H et al. J Cardiovasc Magn Reson, 2021 Mar;23:18; Ware SM et al. Am J Hum Genet, 2022 Feb;109:282-298; Zhang Y et al. Mol Genet Genomic Med, 2022 Oct;10:e2041). This amino acid position is well conserved in available vertebrate species. In addition, this alteration is predicted to be tolerated by in silico analysis. Based on the available evidence, the clinical significance of this variant remains unclear.

Labcorp Genetics (formerly Invitae), Labcorp
Classification: Uncertain significance for Hypertrophic cardiomyopathy 14. Last evaluated: 2024-02-27. Review status: criteria provided, single submitter. Criteria: Invitae Variant Classification Sherloc (09022015). Collection method: clinical testing. Allele origin: germline.
Comment: This sequence change replaces alanine, which is neutral and non-polar, with threonine, which is neutral and polar, at codon 1411 of the MYH6 protein (p.Ala1411Thr). This variant is present in population databases (rs146172839, gnomAD 0.03%). This missense change has been observed in individual(s) with hypertrophic cardiomyopathy and congenital heart defect (PMID: 33658040, 35993536). ClinVar contains an entry for this variant (Variation ID: 2505329). Advanced modeling of protein sequence and biophysical properties (such as structural, functional, and spatial information, amino acid conservation, physicochemical variation, residue mobility, and thermodynamic stability) performed at Invitae indicates that this missense variant is not expected to disrupt MYH6 protein function with a negative predictive value of 80%. In summary, the available evidence is currently insufficient to determine the role of this variant in disease. Therefore, it has been classified as a Variant of Uncertain Significance.

Clinical Center for Gene Diagnosis and Therapy, Department of Cardiovascular Surgery, The Second Xiangya Hospital of Central South University
Classification: Uncertain significance for Primary dilated cardiomyopathy. Last evaluated: 2023-06-01. Review status: criteria provided, single submitter. Criteria: ACMG Guidelines, 2015. Collection method: clinical testing. Allele origin: germline. Affected: yes.

Literature cited by the submitters: PubMed 33658040 (cited by Ambry Genetics and Labcorp Genetics (formerly Invitae), Labcorp); PubMed 35026164 (cited by Ambry Genetics); PubMed 35993536 (cited by Ambry Genetics and Labcorp Genetics (formerly Invitae), Labcorp).

NM_002471.4(MYH6):c.4231G>A (p.Ala1411Thr)

Gene: MYH6 (myosin heavy chain 6; minus strand). Cytogenetic location: 14q11.2.
Variant type: single nucleotide variant.
Coding change: c.4231G>A on transcript NM_002471.4 (MANE Select); coding-DNA position 4231, G replaced by A.
Protein change: p.Ala1411Thr; replaces alanine 1411 with threonine.
Molecular consequence: missense variant.
Genome position (GRCh38, 1-based): chr14:23,388,283, C>T on the plus strand (G>A on the coding strand, the complement: MYH6 is on the minus strand). VCF-style: chr14-23388283-C-T. GRCh37 (hg19) VCF-style: chr14-23857492-C-T.
Other names: short protein forms A1411T.
Identifiers: ClinVar variation 2505329 (VCV002505329.5), dbSNP rs146172839, ClinGen allele CA7114840.